The following is an entry in ClinVar:

ClinVar aggregate classification (germline): Uncertain significance (1 of 4 stars; one submission).

Conditions:
Neurofibromatosis, type 1 (NF1). Also called: Neurofibromatosis, type I; VON RECKLINGHAUSEN DISEASE; NEUROFIBROMATOSIS, TYPE I, SOMATIC; Peripheral type neurofibromatosis. Identifiers: Orphanet 636, MedGen C0027831, MONDO:0018975, OMIM 162200. Disease mechanism: loss of function.

Submission:

Labcorp Genetics (formerly Invitae), Labcorp
Classification: Uncertain significance for Neurofibromatosis, type 1. Last evaluated: 2021-09-26. Review status: criteria provided, single submitter. Criteria: Invitae Variant Classification Sherloc (09022015). Collection method: clinical testing. Allele origin: germline.
Comment: In summary, the available evidence is currently insufficient to determine the role of this variant in disease. Therefore, it has been classified as a Variant of Uncertain Significance. Advanced modeling of protein sequence and biophysical properties (such as structural, functional, and spatial information, amino acid conservation, physicochemical variation, residue mobility, and thermodynamic stability) performed at Invitae indicates that this missense variant is not expected to disrupt NF1 protein function. This variant has not been reported in the literature in individuals affected with NF1-related conditions. This variant is not present in population databases (ExAC no frequency). This sequence change replaces serine with proline at codon 883 of the NF1 protein (p.Ser883Pro). The serine residue is moderately conserved and there is a moderate physicochemical difference between serine and proline.

NM_001042492.3(NF1):c.2647T>C (p.Ser883Pro)

Gene: NF1 (neurofibromin 1; plus strand). Cytogenetic location: 17q11.2.
Variant type: single nucleotide variant.
Coding change: c.2647T>C on transcript NM_001042492.3 (MANE Select); coding-DNA position 2647, T replaced by C.
Protein change: p.Ser883Pro; replaces serine 883 with proline.
Molecular consequence: missense variant.
Genome position (GRCh38, 1-based): chr17:31,229,262, T>C. VCF-style: chr17-31229262-T-C. GRCh37 (hg19) VCF-style: chr17-29556280-T-C.
Other names: c.2647T>C, p.Ser883Pro (NM_000267.4); short protein forms S883P.
Identifiers: ClinVar variation 1472686 (VCV001472686.6), dbSNP rs2151429342, ClinGen allele CA398984690.